The following is an entry in ClinVar:

ClinVar aggregate classification (germline): Uncertain significance (1 of 4 stars; one submission).

Conditions:
Familial acute necrotizing encephalopathy (IIAE3). Also called: ENCEPHALOPATHY, ACUTE, INFECTION-INDUCED, SUSCEPTIBILITY TO, 3; Susceptibility to Acute Necrotizing Encephalopathy 1. Identifiers: Orphanet 88619, MedGen C2675556, MONDO:0011953, OMIM 608033.

Allele frequency attached by ClinVar (database versions not stated): gnomAD 0.00001 and 0.00003; ExAC 0.00003; gnomAD exomes 0.00003 and 0.00005; TOPMed 0.00005.
gnomAD v4.1: 49 of 1,611,856 alleles (0.003%); highest among the groups gnomAD compares: Non-Finnish European, 0.0037%; no homozygotes.

Submission:

Labcorp Genetics (formerly Invitae), Labcorp
Classification: Uncertain significance for Familial acute necrotizing encephalopathy. Last evaluated: 2022-10-28. Review status: criteria provided, single submitter. Criteria: Invitae Variant Classification Sherloc (09022015). Collection method: clinical testing. Allele origin: germline.
Comment: In summary, the available evidence is currently insufficient to determine the role of this variant in disease. Therefore, it has been classified as a Variant of Uncertain Significance. Algorithms developed to predict the effect of missense changes on protein structure and function (SIFT, PolyPhen-2, Align-GVGD) all suggest that this variant is likely to be disruptive. ClinVar contains an entry for this variant (Variation ID: 570364). This variant has not been reported in the literature in individuals affected with RANBP2-related conditions. This variant is present in population databases (rs769995347, gnomAD 0.009%). This sequence change replaces aspartic acid, which is acidic and polar, with tyrosine, which is neutral and polar, at codon 418 of the RANBP2 protein (p.Asp418Tyr).

NM_006267.5(RANBP2):c.1252G>T (p.Asp418Tyr)

Gene: RANBP2 (RAN binding protein 2; plus strand). Cytogenetic location: 2q13.
Variant type: single nucleotide variant.
Coding change: c.1252G>T on transcript NM_006267.5 (MANE Select); coding-DNA position 1252, G replaced by T.
Protein change: p.Asp418Tyr; replaces aspartic acid 418 with tyrosine.
Molecular consequence: missense variant.
Genome position (GRCh38, 1-based): chr2:108,749,108, G>T. VCF-style: chr2-108749108-G-T. GRCh37 (hg19) VCF-style: chr2-109365564-G-T.
Other names: short protein forms D418Y.
Identifiers: ClinVar variation 570364 (VCV000570364.7), dbSNP rs769995347, ClinGen allele CA1822271.